The following is an entry in ClinVar:

ClinVar aggregate classification (germline): Likely benign (1 of 4 stars; one submission).

Allele frequency attached by ClinVar (database versions not stated): 1000 Genomes Project 0.00040; 1000 Genomes Project 30x 0.00047; ExAC 0.00065; TOPMed 0.00066; gnomAD 0.00068; ESP Exome Variant Server 0.00069; gnomAD exomes 0.00127.
gnomAD v4.1: 1,913 of 1,612,176 alleles (0.12%); highest among the groups gnomAD compares: Non-Finnish European, 0.16%; 3 homozygotes.

Submission:

CeGaT Center for Human Genetics Tuebingen
Classification: Likely benign. Last evaluated: 2026-04-01. Review status: criteria provided, single submitter. Criteria: CeGaT Center For Human Genetics Tuebingen Variant Classification Criteria Version 2. Collection method: clinical testing. Allele origin: germline. Affected: yes. Observed: 10 variant alleles.
Comment: KDM5B: BP4, BP7

NM_006618.5(KDM5B):c.942A>G (p.Leu314=)

Gene: KDM5B (lysine demethylase 5B; minus strand). Cytogenetic location: 1q32.1.
Variant type: single nucleotide variant.
Coding change: c.942A>G on transcript NM_006618.5 (MANE Select); coding-DNA position 942, A replaced by G.
Protein change: p.Leu314=; no amino-acid change (leucine 314 retained).
Molecular consequence: synonymous variant.
Genome position (GRCh38, 1-based): chr1:202,760,550, T>C on the plus strand (A>G on the coding strand, the complement: KDM5B is on the minus strand). VCF-style: chr1-202760550-T-C. GRCh37 (hg19) VCF-style: chr1-202729678-T-C.
Other names: c.1050A>G, p.Leu350= (NM_001314042.2); c.807A>G, p.Leu269= (NM_001347591.2); c.927A>G, p.Leu309= (NM_001399817.1).
Identifiers: ClinVar variation 1879108 (VCV001879108.29), dbSNP rs149504096, ClinGen allele CA1334830.
Genomic context (GRCh38, chr1:202,760,550, plus strand): 5'-GTAACTGTCATCACAGCCATCACACAACAGTAGCCGGTCTTCATCATTGCCACTGCCACA[T>C]AAAAGACAGACATACAGGTCCACCTGTAGCAATAAAAGTGGGTACAGAACAAAGGAACAT-3'
Protein context (NP_006609.3, residues 304-324): TNAVDLYVCL[Leu314=]CGSGNDEDRL